The following is an entry in ClinVar:

NM_005097.4(LGI1):c.657_658delinsCC (p.Asp220His)

Gene: LGI1 (leucine rich glioma inactivated 1; plus strand). Cytogenetic location: 10q23.33.
Variant type: Indel.
Coding change: c.657_658delinsCC on transcript NM_005097.4 (MANE Select); coding-DNA positions 657 to 658, TG replaced by CC.
Protein change: p.Asp220His; replaces aspartic acid 220 with histidine.
Molecular consequence: missense variant. On other transcripts: non-coding transcript variant (1).
Genome position (GRCh38, 1-based): chr10:93,792,896-93,792,897, TG replaced by CC. VCF-style: chr10-93792896-TG-CC. GRCh37 (hg19) VCF-style: chr10-95552653-TG-CC.
Other names: c.657_658delinsCC, p.Asp220His (NM_001308275.2); c.513_514delinsCC, p.Asp172His (NM_001308276.2); short protein forms D172H, D220H.
Identifiers: ClinVar variation 1500866 (VCV001500866.1), dbSNP rs2134021029, ClinGen allele CA2573145861.

ClinVar aggregate classification (germline): Uncertain significance (1 of 4 stars; one submission).

Conditions:
Autosomal dominant epilepsy with auditory features. Identifiers: Orphanet 101046, MedGen C1838062, MONDO:0010898.

Submission:

Labcorp Genetics (formerly Invitae), Labcorp
Classification: Uncertain significance for Autosomal dominant epilepsy with auditory features. Last evaluated: 2020-12-25. Review status: criteria provided, single submitter. Criteria: Invitae Variant Classification Sherloc (09022015). Collection method: clinical testing. Allele origin: germline.
Comment: This sequence change replaces aspartic acid with histidine at codon 220 of the LGI1 protein (p.Asp220His). The aspartic acid residue is highly conserved and there is a moderate physicochemical difference between aspartic acid and histidine. This variant is not present in population databases (ExAC no frequency). This variant has not been reported in the literature in individuals with LGI1-related conditions. Experimental studies and prediction algorithms are not available or were not evaluated, and the functional significance of this variant is currently unknown. In summary, the available evidence is currently insufficient to determine the role of this variant in disease. Therefore, it has been classified as a Variant of Uncertain Significance.